The following is an entry in ClinVar:

ClinVar aggregate classification (germline): Uncertain significance. Review status: criteria provided, multiple submitters, no conflicts (2 of 4 stars). 2 submissions from 2 submitters: Uncertain significance (2). Last evaluated 2024-04-25.

Conditions:
Long QT syndrome (LQTS). Identifiers: MedGen C0023976, MeSH D008133, MONDO:0002442. Disease mechanism: loss of function. Inheritance: Various modes of inheritance.
Cardiac arrhythmia. Also called: Arrhythmia; Cardiac rhythm disease. Identifiers: MedGen C0003811, MONDO:0007263, HP:0011675.

Allele frequency attached by ClinVar (database versions not stated): gnomAD exomes below 0.00001.
gnomAD v4.1: 1 of 1,613,828 alleles (0.000062%); highest among the groups gnomAD compares: Non-Finnish European, 0.000085%; no homozygotes.

Submissions (2):

Labcorp Genetics (formerly Invitae), Labcorp
Classification: Uncertain significance for Long QT syndrome. Last evaluated: 2024-04-25. Review status: criteria provided, single submitter. Criteria: Invitae Variant Classification Sherloc (09022015). Collection method: clinical testing. Allele origin: germline.
Comment: This sequence change replaces cysteine, which is neutral and slightly polar, with tryptophan, which is neutral and slightly polar, at codon 381 of the KCNQ1 protein (p.Cys381Trp). This variant is not present in population databases (gnomAD no frequency). This variant has not been reported in the literature in individuals affected with KCNQ1-related conditions. ClinVar contains an entry for this variant (Variation ID: 928367). Advanced modeling of protein sequence and biophysical properties (such as structural, functional, and spatial information, amino acid conservation, physicochemical variation, residue mobility, and thermodynamic stability) performed at Invitae indicates that this missense variant is expected to disrupt KCNQ1 protein function with a positive predictive value of 95%. In summary, the available evidence is currently insufficient to determine the role of this variant in disease. Therefore, it has been classified as a Variant of Uncertain Significance.

Color Diagnostics, LLC DBA Color Health
Classification: Uncertain significance for Cardiac arrhythmia. Last evaluated: 2019-01-28. Review status: criteria provided, single submitter. Criteria: ACMG Guidelines, 2015. Collection method: clinical testing. Allele origin: germline.
Comment: Variant of Uncertain Significance due to insufficient evidence: This missense variant replaces cysteine with tryptophan at codon 381 of the KCNQ1 protein. Computational prediction tools and conservation analyses suggest that this variant may have deleterious impact on the protein function. Computational splicing tools suggest that this variant may not impact RNA splicing. To our knowledge, functional assays have not been performed for this variant nor has this variant been reported in individuals affected with cardiovascular disorders in the literature. This variant is rare in the general population and has been identified in 0/277264 chromosomes by the Genome Aggregation Database (gnomAD). Available evidence is insufficient to determine the role of this variant in disease conclusively.

NM_000218.3(KCNQ1):c.1143C>G (p.Cys381Trp)

Gene: KCNQ1 (potassium voltage-gated channel subfamily Q member 1; plus strand). Cytogenetic location: 11p15.5.
Variant type: single nucleotide variant.
Coding change: c.1143C>G on transcript NM_000218.3 (MANE Select); coding-DNA position 1143, C replaced by G.
Protein change: p.Cys381Trp; replaces cysteine 381 with tryptophan.
Molecular consequence: missense variant.
Genome position (GRCh38, 1-based): chr11:2,587,584, C>G. VCF-style: chr11-2587584-C-G. GRCh37 (hg19) VCF-style: chr11-2608814-C-G.
Other names: c.1047C>G, p.Cys349Trp (NM_001406836.1); c.873C>G, p.Cys291Trp (NM_001406837.1); c.603C>G, p.Cys201Trp (NM_001406838.1); c.762C>G, p.Cys254Trp (NM_181798.2); short protein forms C381W, C254W, C201W, C349W, C291W.
Identifiers: ClinVar variation 928367 (VCV000928367.11), dbSNP rs1848610060, ClinGen allele CA379134666.